The following is an entry in ClinVar:

NM_002485.5(NBN):c.515T>A (p.Val172Glu)

Gene: NBN (nibrin; minus strand). Cytogenetic location: 8q21.3.
Variant type: single nucleotide variant.
Coding change: c.515T>A on transcript NM_002485.5 (MANE Select); coding-DNA position 515, T replaced by A.
Protein change: p.Val172Glu; replaces valine 172 with glutamic acid.
Molecular consequence: missense variant.
Genome position (GRCh38, 1-based): chr8:89,978,289, A>T on the plus strand (T>A on the coding strand, the complement: NBN is on the minus strand). VCF-style: chr8-89978289-A-T. GRCh37 (hg19) VCF-style: chr8-90990517-A-T.
Other names: c.269T>A, p.Val90Glu (NM_001024688.3); short protein forms V90E, V172E.
Identifiers: ClinVar variation 3917601 (VCV003917601.1).

ClinVar aggregate classification (germline): Uncertain significance (1 of 4 stars; one submission).

Conditions:
Hereditary cancer-predisposing syndrome. Also called: Hereditary Cancer Syndrome; Hereditary neoplastic syndrome; Neoplastic Syndromes, Hereditary; Tumor predisposition. Identifiers: Orphanet 140162, MedGen C0027672, MeSH D009386, MONDO:0015356.

Submission:

Ambry Genetics
Classification: Uncertain significance for Hereditary cancer-predisposing syndrome. Last evaluated: 2025-06-06. Review status: criteria provided, single submitter. Criteria: Ambry Variant Classification Scheme 2023. Collection method: clinical testing. Allele origin: germline.
Comment: The p.V172E variant (also known as c.515T>A), located in coding exon 5 of the NBN gene, results from a T to A substitution at nucleotide position 515. The valine at codon 172 is replaced by glutamic acid, an amino acid with dissimilar properties. This amino acid position is conserved. In addition, this alteration is predicted to be deleterious by in silico analysis. Based on the available evidence, the clinical significance of this variant remains unclear.